The following is an entry in ClinVar:

NM_030653.4(DDX11):c.639-11CA[3]

Gene: DDX11 (DEAD/H-box helicase 11; plus strand). Cytogenetic location: 12p11.21.
Variant type: Microsatellite.
Coding change: c.639-11CA[3] on transcript NM_030653.4 (MANE Select); three copies in a row of the 2-base unit CA starting at c.639-11; the reference has five copies in a row; two copies, 4 bases deleted.
Molecular consequence: splice acceptor variant.
Genome position (GRCh38, 1-based): chr12:31,087,933-31,087,936, CACA deleted; deleting any 4 consecutive bases within chr12:31,087,927-31,087,936 gives the same sequence; the position shown is the placement nearest the transcript's 3' end. VCF-style (leftmost placement, unchanged base first): chr12-31087926-TCACA-T. GRCh37 (hg19) VCF-style: chr12-31240860-TCACA-T.
Other names: c.639-11CA[3] (NM_152438.2, NM_004399.3, NM_001257144.2); c.561-11CA[3] (NM_001257145.2).
Identifiers: ClinVar variation 713123 (VCV000713123.28), dbSNP rs540967416, ClinGen allele CA6500856.

ClinVar aggregate classification (germline): Likely benign. Review status: criteria provided, multiple submitters, no conflicts (2 of 4 stars). 2 submissions from 2 submitters: Likely benign (2). Last evaluated 2026-06-01.

Submissions (2):

CeGaT Center for Human Genetics Tuebingen
Classification: Likely benign. Last evaluated: 2026-06-01. Review status: criteria provided, single submitter. Criteria: CeGaT Center For Human Genetics Tuebingen Variant Classification Criteria Version 2. Collection method: clinical testing. Allele origin: germline. Affected: yes. Observed: 2 variant alleles.
Comment: DDX11: BP4, BS2

Labcorp Genetics (formerly Invitae), Labcorp
Classification: Likely benign. Last evaluated: 2026-01-24. Review status: criteria provided, single submitter. Criteria: Invitae Variant Classification Sherloc (09022015). Collection method: clinical testing. Allele origin: germline.